The following is an entry in ClinVar:

NM_024306.5(FA2H):c.646C>G (p.Pro216Ala)

Gene: FA2H (fatty acid 2-hydroxylase; minus strand). Cytogenetic location: 16q23.1.
Variant type: single nucleotide variant.
Coding change: c.646C>G on transcript NM_024306.5 (MANE Select); coding-DNA position 646, C replaced by G.
Protein change: p.Pro216Ala; replaces proline 216 with alanine.
Molecular consequence: missense variant.
Genome position (GRCh38, 1-based): chr16:74,719,128, G>C on the plus strand (C>G on the coding strand, the complement: FA2H is on the minus strand). VCF-style: chr16-74719128-G-C. GRCh37 (hg19) VCF-style: chr16-74753026-G-C.
Other names: short protein forms P216A.
Identifiers: ClinVar variation 1352350 (VCV001352350.8), dbSNP rs1961775069, ClinGen allele CA396769661.
Genomic context (GRCh38, chr16:74,719,128, plus strand): 5'-AGCGGTGGATGAGGTACTCGATGAGGCTCCAGAGGAATGTCCCCAGCATGAAGAGCCCGG[G>C]GAACATGGACTTGGGCACTGCCACCGTGTACTCTGCAGGGTGGCAGGGAGAGCGAGGTGA-3'
Protein context (NP_077282.3, residues 206-226): YTVAVPKSMF[Pro216Ala]GLFMLGTFLW

ClinVar aggregate classification (germline): Uncertain significance (1 of 4 stars; one submission).

Conditions:
Spastic paraplegia. Identifiers: MedGen C0037772, HP:0001258.

Submission:

Labcorp Genetics (formerly Invitae), Labcorp
Classification: Uncertain significance for Spastic paraplegia. Last evaluated: 2024-02-24. Review status: criteria provided, single submitter. Criteria: Invitae Variant Classification Sherloc (09022015). Collection method: clinical testing. Allele origin: germline.
Comment: This sequence change replaces proline, which is neutral and non-polar, with alanine, which is neutral and non-polar, at codon 216 of the FA2H protein (p.Pro216Ala). This variant is not present in population databases (gnomAD no frequency). This variant has not been reported in the literature in individuals affected with FA2H-related conditions. ClinVar contains an entry for this variant (Variation ID: 1352350). Advanced modeling of protein sequence and biophysical properties (such as structural, functional, and spatial information, amino acid conservation, physicochemical variation, residue mobility, and thermodynamic stability) performed at Invitae indicates that this missense variant is not expected to disrupt FA2H protein function with a negative predictive value of 80%. In summary, the available evidence is currently insufficient to determine the role of this variant in disease. Therefore, it has been classified as a Variant of Uncertain Significance.